The following is an entry in ClinVar:

ClinVar aggregate classification (germline): Pathogenic. Review status: criteria provided, multiple submitters, no conflicts (2 of 4 stars). 9 submissions from 9 submitters: Pathogenic (6). 3 of the submissions do not count toward it. Last evaluated 2025-04-10.

Conditions:
PRPH2-related disorder. Also called: PRPH2-related condition; PRPH2-related disorders. Identifiers: MedGen CN239395.
Choroidal dystrophy, central areolar 2 (CACD2). Also called: MACULAR DYSTROPHY, PROGRESSIVE; Choriodal Dystrophy, Central Areolar 2. Identifiers: Orphanet 75377, MedGen C2751290, MONDO:0013137, OMIM 613105.
Vitelliform macular dystrophy 3 (VMD3). Also called: PRPH2 vitelliform macular dystrophy; vitelliform macular dystrophy caused by mutation in PRPH2. Identifiers: MedGen CN295869, MONDO:0024561, OMIM 608161.
Patterned macular dystrophy 1. Also called: BUTTERFLY DYSTROPHY OF RETINAL PIGMENT EPITHELIUM; MACULAR DYSTROPHY, BUTTERFLY-SHAPED PIGMENTARY. Identifiers: Orphanet 99001, MedGen C4551999, MONDO:0008210, OMIM 169150.
Retinitis pigmentosa 7 (RP7). Identifiers: Orphanet 791, MedGen C1842475, MONDO:0011974, OMIM 608133.
Pigmentary retinal dystrophy. Also called: Fundus albipunctatus. Identifiers: Orphanet 227796, Orphanet 52427, MedGen C0311338, MONDO:0007639, OMIM 136880, HP:0030642.
Retinal dystrophy. Also called: Inherited retinal dystrophy. Identifiers: Orphanet 71862, MedGen C0854723, MeSH D058499, MONDO:0019118, HP:0000556.

Submissions (9):

Bioscientia Institut fuer Medizinische Diagnostik GmbH, Sonic Healthcare
Classification: Pathogenic for Patterned macular dystrophy 1; Choroidal dystrophy, central areolar 2; Pigmentary retinal dystrophy; Retinitis pigmentosa 7; Vitelliform macular dystrophy 3. Last evaluated: 2025-04-10. Review status: criteria provided, single submitter. Criteria: ACMG Guidelines, 2015. Collection method: clinical testing. Allele origin: germline. Affected: yes.

Labcorp Genetics (formerly Invitae), Labcorp
Classification: Pathogenic for PRPH2-related disorder. Last evaluated: 2023-12-10. Review status: criteria provided, single submitter. Criteria: Invitae Variant Classification Sherloc (09022015). Collection method: clinical testing. Allele origin: germline.
Comment: This sequence change creates a premature translational stop signal (p.Leu307Argfs*17) in the PRPH2 gene. While this is not anticipated to result in nonsense mediated decay, it is expected to disrupt the last 40 amino acid(s) of the PRPH2 protein. This variant is not present in population databases (gnomAD no frequency). This premature translational stop signal has been observed in individuals with PRPH2-related conditions (PMID: 8019570, 17148040, 24265693). This variant is also known as 920delT, p.Leu307fsX83 and/or '1-bp deletion (CTG + C-G) at codon 307'. ClinVar contains an entry for this variant (Variation ID: 98720). This variant disrupts the C-terminus of the PRPH2 protein. Other variant(s) that disrupt this region (p.Trp316*) have been observed in individuals with PRPH2-related conditions (PMID: 9338584). This suggests that this may be a clinically significant region of the protein. For these reasons, this variant has been classified as Pathogenic.

Institute of Human Genetics, Univ. Regensburg, Univ. Regensburg
Classification: Pathogenic for Retinal dystrophy. Last evaluated: 2023-01-01. Review status: criteria provided, single submitter. Criteria: ACMG Guidelines, 2015. Collection method: clinical testing. Allele origin: germline. Affected: yes.

CeGaT Center for Human Genetics Tuebingen
Classification: Pathogenic. Last evaluated: 2021-07-01. Review status: criteria provided, single submitter. Criteria: CeGaT Center For Human Genetics Tuebingen Variant Classification Criteria Version 2. Collection method: clinical testing. Allele origin: germline. Affected: yes. Observed: 1 variant allele.

Blueprint Genetics
Classification: Pathogenic for PRPH2-related disorders. Last evaluated: 2021-06-22. Review status: criteria provided, single submitter. Criteria: ACMG Guidelines, 2015. Collection method: clinical testing. Allele origin: germline. Affected: yes. Observed: 1 variant allele.

Institute of Medical Genetics and Applied Genomics, University Hospital Tübingen
Classification: Pathogenic. Last evaluated: 2020-10-23. Review status: criteria provided, single submitter. Criteria: ACMG Guidelines, 2015. Collection method: clinical testing. Allele origin: germline. Inheritance: Autosomal unknown. Affected: yes.

Leiden Open Variation Database
Classification: Pathogenic. Last evaluated: 2021-04-06. Review status: no assertion criteria provided. Collection method: curation. Allele origin: germline. Affected: yes. Not counted in ClinVar's aggregate classification.
Comment: Curator: Global Variome, with Curator vacancy. Submitters to LOVD: LOVD, Manon Peeters.

OMIM
Classification: Pathogenic for RETINITIS PIGMENTOSA 7. Last evaluated: 1995-01-01. Review status: no assertion criteria provided. Collection method: literature only. Allele origin: germline. Not counted in ClinVar's aggregate classification.

Retina International
No classification provided. Review status: no classification provided. Collection method: not provided. Allele origin: not provided. Not counted in ClinVar's aggregate classification.

Literature cited by the submitters: PubMed 8019570 (cited by 3 submitters); PubMed 17148040 (cited by Labcorp Genetics (formerly Invitae), Labcorp and Leiden Open Variation Database); PubMed 24265693 (cited by Labcorp Genetics (formerly Invitae), Labcorp and Institute of Human Genetics, Univ. Regensburg, Univ. Regensburg); PubMed 9338584 (cited by Labcorp Genetics (formerly Invitae), Labcorp); PubMed 22183351 (cited by Institute of Human Genetics, Univ. Regensburg, Univ. Regensburg); PubMed 29555955 (cited by Institute of Human Genetics, Univ. Regensburg, Univ. Regensburg and Leiden Open Variation Database); PubMed 34411390 (cited by Institute of Human Genetics, Univ. Regensburg, Univ. Regensburg); PubMed 7880786 (cited by OMIM).

NM_000322.5(PRPH2):c.920del (p.Leu307fs)

Gene: PRPH2 (peripherin 2; minus strand). Cytogenetic location: 6p21.1.
Variant type: Deletion.
Coding change: c.920del on transcript NM_000322.5 (MANE Select); coding-DNA position 920, one base deleted (T; older notation c.920delT).
Protein change: p.Leu307fs; shifts the reading frame from leucine 307.
Molecular consequence: frameshift variant.
Genome position (GRCh38, 1-based): chr6:42,698,416, A deleted on the plus strand (T on the coding strand, the reverse complement: PRPH2 is on the minus strand). VCF-style (leftmost placement, unchanged base first): chr6-42698415-CA-C. GRCh37 (hg19) VCF-style: chr6-42666153-CA-C.
Other names: c.920del (NM_000322.4); short protein forms L307fs.
Identifiers: ClinVar variation 98720 (VCV000098720.46), dbSNP rs61748433, ClinGen allele CA226330.